The following is an entry in ClinVar:

NM_177438.3(DICER1):c.1996A>T (p.Thr666Ser)

Gene: DICER1 (dicer 1, ribonuclease III; minus strand). Cytogenetic location: 14q32.13.
Variant type: single nucleotide variant.
Coding change: c.1996A>T on transcript NM_177438.3 (MANE Select); coding-DNA position 1996, A replaced by T.
Protein change: p.Thr666Ser; replaces threonine 666 with serine.
Molecular consequence: missense variant. On other transcripts: non-coding transcript variant (6).
Genome position (GRCh38, 1-based): chr14:95,113,136, T>A on the plus strand (A>T on the coding strand, the complement: DICER1 is on the minus strand). VCF-style: chr14-95113136-T-A. GRCh37 (hg19) VCF-style: chr14-95579473-T-A.
Other names: c.1996A>T, p.Thr666Ser (NM_001195573.1, NM_001271282.3, NM_001291628.2 and 12 more transcripts); c.1714A>T, p.Thr572Ser (NM_001395686.1); c.1591A>T, p.Thr531Ser (NM_001395687.1, NM_001395688.1, NM_001395689.1 and 3 more transcripts); c.1429A>T, p.Thr477Ser (NM_001395691.1); c.313A>T, p.Thr105Ser (NM_001395697.1); short protein forms T572S, T531S, T105S, T666S, T477S.
Identifiers: ClinVar variation 3645262 (VCV003645262.3).

ClinVar aggregate classification (germline): Uncertain significance. Review status: criteria provided, multiple submitters, no conflicts (2 of 4 stars). 2 submissions from 2 submitters: Uncertain significance (2). Last evaluated 2024-12-20.

Conditions:
Hereditary cancer-predisposing syndrome. Also called: Hereditary neoplastic syndrome; Hereditary Cancer Syndrome; Neoplastic Syndromes, Hereditary; Tumor predisposition. Identifiers: Orphanet 140162, MedGen C0027672, MeSH D009386, MONDO:0015356.
DICER1-related tumor predisposition. Also called: DICER1 syndrome; DICER1-related pleuropulmonary blastoma cancer predisposition syndrome. Identifiers: Orphanet 284343, MedGen C3839822, MONDO:0100216.

Submissions (2):

Ambry Genetics
Classification: Uncertain significance for Hereditary cancer-predisposing syndrome. Last evaluated: 2024-12-20. Review status: criteria provided, single submitter. Criteria: Ambry Variant Classification Scheme 2023. Collection method: clinical testing. Allele origin: germline.
Comment: The p.T666S variant (also known as c.1996A>T), located in coding exon 11 of the DICER1 gene, results from an A to T substitution at nucleotide position 1996. The threonine at codon 666 is replaced by serine, an amino acid with similar properties. This amino acid position is conserved. In addition, this alteration is predicted to be tolerated by in silico analysis. Based on the available evidence, the clinical significance of this variant remains unclear.

Labcorp Genetics (formerly Invitae), Labcorp
Classification: Uncertain significance for DICER1-related tumor predisposition. Last evaluated: 2024-03-10. Review status: criteria provided, single submitter. Criteria: Invitae Variant Classification Sherloc (09022015). Collection method: clinical testing. Allele origin: germline.
Comment: This sequence change replaces threonine, which is neutral and polar, with serine, which is neutral and polar, at codon 666 of the DICER1 protein (p.Thr666Ser). This variant is not present in population databases (gnomAD no frequency). This variant has not been reported in the literature in individuals affected with DICER1-related conditions. Advanced modeling of protein sequence and biophysical properties (such as structural, functional, and spatial information, amino acid conservation, physicochemical variation, residue mobility, and thermodynamic stability) performed at Invitae indicates that this missense variant is not expected to disrupt DICER1 protein function with a negative predictive value of 80%. In summary, the available evidence is currently insufficient to determine the role of this variant in disease. Therefore, it has been classified as a Variant of Uncertain Significance.